The following is an entry in ClinVar:

NM_001127222.2(CACNA1A):c.2401G>A (p.Glu801Lys)

Gene: CACNA1A (calcium voltage-gated channel subunit alpha1 A; minus strand). Cytogenetic location: 19p13.13.
Variant type: single nucleotide variant.
Coding change: c.2401G>A on transcript NM_001127222.2 (MANE Select); coding-DNA position 2401, G replaced by A.
Protein change: p.Glu801Lys; replaces glutamic acid 801 with lysine.
Molecular consequence: missense variant.
Genome position (GRCh38, 1-based): chr19:13,299,232, C>T on the plus strand (G>A on the coding strand, the complement: CACNA1A is on the minus strand). VCF-style: chr19-13299232-C-T. GRCh37 (hg19) VCF-style: chr19-13410046-C-T.
Other names: c.2413G>A, p.Glu805Lys (NM_000068.4, NM_023035.3); c.2404G>A, p.Glu802Lys (NM_001127221.2, NM_001174080.2); short protein forms E801K, E802K, E805K.
Identifiers: ClinVar variation 2922730 (VCV002922730.4), dbSNP rs1231997862, ClinGen allele CA404343531.

ClinVar aggregate classification (germline): Uncertain significance. Review status: criteria provided, multiple submitters, no conflicts (2 of 4 stars). 2 submissions from 2 submitters: Uncertain significance (2). Last evaluated 2025-04-12.

Conditions:
Inborn genetic diseases. Identifiers: MedGen C0950123, MeSH D030342.
Developmental and epileptic encephalopathy, 42 (DEE42A). Also called: DEVELOPMENTAL AND EPILEPTIC ENCEPHALOPATHY 42A; EPILEPTIC ENCEPHALOPATHY, EARLY INFANTILE, 42A; Epileptic encephalopathy, early infantile, 42. Identifiers: MedGen C4310716, MONDO:0014917, OMIM 617106.
Episodic ataxia type 2 (EA2). Also called: ACETAZOLAMIDE-RESPONSIVE HEREDITARY PAROXYSMAL CEREBELLAR ATAXIA; ATAXIA, EPISODIC, WITH NYSTAGMUS; ATAXIA, FAMILIAL PAROXYSMAL; CEREBELLAR ATAXIA, PAROXYSMAL, ACETAZOLAMIDE-RESPONSIVE; CEREBELLOPATHY, HEREDITARY PAROXYSMAL; EPISODIC ATAXIA, NYSTAGMUS-ASSOCIATED. Identifiers: Orphanet 97, MedGen C1720416, MONDO:0007163, OMIM 108500.

Allele frequency attached by ClinVar (database versions not stated): gnomAD 0.00001; gnomAD exomes 0.00001.
gnomAD v4.1: 13 of 1,610,058 alleles (0.00081%); highest among the groups gnomAD compares: Non-Finnish European, 0.0011%; no homozygotes.

Submissions (2):

Ambry Genetics
Classification: Uncertain significance for Inborn genetic diseases. Last evaluated: 2025-04-12. Review status: criteria provided, single submitter. Criteria: Ambry Variant Classification Scheme 2023. Collection method: clinical testing. Allele origin: germline.

Labcorp Genetics (formerly Invitae), Labcorp
Classification: Uncertain significance for Developmental and epileptic encephalopathy, 42; Episodic ataxia type 2. Last evaluated: 2024-04-22. Review status: criteria provided, single submitter. Criteria: Invitae Variant Classification Sherloc (09022015). Collection method: clinical testing. Allele origin: germline.
Comment: This sequence change replaces glutamic acid, which is acidic and polar, with lysine, which is basic and polar, at codon 802 of the CACNA1A protein (p.Glu802Lys). This variant is present in population databases (no rsID available, gnomAD 0.007%). This variant has not been reported in the literature in individuals affected with CACNA1A-related conditions. Advanced modeling of protein sequence and biophysical properties (such as structural, functional, and spatial information, amino acid conservation, physicochemical variation, residue mobility, and thermodynamic stability) performed at Invitae indicates that this missense variant is not expected to disrupt CACNA1A protein function with a negative predictive value of 95%. In summary, the available evidence is currently insufficient to determine the role of this variant in disease. Therefore, it has been classified as a Variant of Uncertain Significance.